The following is an entry in ClinVar:

ClinVar aggregate classification (germline): Uncertain significance. Review status: criteria provided, multiple submitters, no conflicts (2 of 4 stars). 2 submissions from 2 submitters: Uncertain significance (2). Last evaluated 2026-02-20.

Conditions:
Familial adenomatous polyposis 1 (FAP1). Also called: FAMILIAL ADENOMATOUS POLYPOSIS 1, ATTENUATED; POLYPOSIS, ADENOMATOUS INTESTINAL. Identifiers: MedGen C2713442, MONDO:0021056, OMIM 175100. Disease mechanism: loss of function.
Hereditary cancer-predisposing syndrome. Also called: Neoplastic Syndromes, Hereditary; Hereditary neoplastic syndrome; Tumor predisposition; Hereditary Cancer Syndrome. Identifiers: Orphanet 140162, MedGen C0027672, MeSH D009386, MONDO:0015356.

Submissions (2):

Ambry Genetics
Classification: Uncertain significance for Hereditary cancer-predisposing syndrome. Last evaluated: 2026-02-20. Review status: criteria provided, single submitter. Criteria: Ambry Variant Classification Scheme 2023. Collection method: clinical testing. Allele origin: germline.
Comment: The p.R1833I variant (also known as c.5498G>T), located in coding exon 15 of the APC gene, results from a G to T substitution at nucleotide position 5498. The arginine at codon 1833 is replaced by isoleucine, an amino acid with similar properties. This amino acid position is conserved. In addition, in silico predictors for this gene do not accurately predict pathogenicity. Based on the available evidence, the clinical significance of this variant remains unclear.

Labcorp Genetics (formerly Invitae), Labcorp
Classification: Uncertain significance for Familial adenomatous polyposis 1. Last evaluated: 2025-11-26. Review status: criteria provided, single submitter. Criteria: Invitae Variant Classification Sherloc (09022015). Collection method: clinical testing. Allele origin: germline.
Comment: This sequence change replaces arginine, which is basic and polar, with isoleucine, which is neutral and non-polar, at codon 1833 of the APC protein (p.Arg1833Ile). This variant is not present in population databases (gnomAD no frequency). This variant has not been reported in the literature in individuals affected with APC-related conditions. Invitae Evidence Modeling of protein sequence and biophysical properties (such as structural, functional, and spatial information, amino acid conservation, physicochemical variation, residue mobility, and thermodynamic stability) indicates that this missense variant is not expected to disrupt APC protein function with a negative predictive value of 95%. In summary, the available evidence is currently insufficient to determine the role of this variant in disease. Therefore, it has been classified as a Variant of Uncertain Significance.

NM_000038.6(APC):c.5498G>T (p.Arg1833Ile)

Gene: APC (APC regulator of Wnt signaling pathway; plus strand). Cytogenetic location: 5q22.2.
Variant type: single nucleotide variant.
Coding change: c.5498G>T on transcript NM_000038.6 (MANE Select); coding-DNA position 5498, G replaced by T.
Protein change: p.Arg1833Ile; replaces arginine 1833 with isoleucine.
Molecular consequence: missense variant. On other transcripts: non-coding transcript variant (2).
Genome position (GRCh38, 1-based): chr5:112,841,092, G>T. VCF-style: chr5-112841092-G-T. GRCh37 (hg19) VCF-style: chr5-112176789-G-T.
Other names: c.5498G>T (NM_000038.5); c.4346G>T, p.Arg1449Ile (NM_001407472.1, NM_001407471.1); c.5249G>T, p.Arg1750Ile (NM_001407455.1, NM_001407456.1, NM_001407457.1 and 1 more transcripts); c.5195G>T, p.Arg1732Ile (NM_001407458.1, NM_001407459.1, NM_001407460.1 and 1 more transcripts); c.5111G>T, p.Arg1704Ile (NM_001407467.1, NM_001407469.1); c.4649G>T, p.Arg1550Ile (NM_001407470.1, NM_001354906.2); c.5552G>T, p.Arg1851Ile (NM_001407449.1, NM_001354896.2, NM_001407447.1 and 1 more transcripts); c.5498G>T, p.Arg1833Ile (NM_001407450.1, NM_001127510.3, NM_001354895.2); and 12 more; short protein forms R1805I, R1808I, R1815I, R1823I, R1826I, R1833I, R1843I, R1851I.
Identifiers: ClinVar variation 4801495 (VCV004801495.2).
Genomic context (GRCh38, chr5:112,841,092, plus strand): 5'-AACAGAATTTGAAAAATAATTCCAAGGTCTTCAATGATAAGCTCCCAAATAATGAAGATA[G>T]AGTCAGAGGAAGTTTTGCTTTTGATTCACCTCATCATTACACGCCTATTGAAGGAACTCC-3'
Protein context (NP_000029.2, residues 1823-1843): FNDKLPNNED[Arg1833Ile]VRGSFAFDSP